The following is an entry in ClinVar:

ClinVar aggregate classification (germline): Conflicting classifications of pathogenicity. Review status: criteria provided, conflicting classifications (1 of 4 stars). 2 submissions from 2 submitters: Uncertain significance (1); Likely benign (1). Last evaluated 2025-10-24.

Conditions:
Gorlin syndrome. Also called: Nevoid Basal Cell Carcinoma Syndrome; Basal cell nevus syndrome. Identifiers: Orphanet 377, MedGen C0004779, MONDO:0007187.
Hereditary cancer-predisposing syndrome. Also called: Neoplastic Syndromes, Hereditary; Tumor predisposition; Hereditary Cancer Syndrome; Hereditary neoplastic syndrome. Identifiers: Orphanet 140162, MedGen C0027672, MeSH D009386, MONDO:0015356.

Allele frequency attached by ClinVar (database versions not stated): gnomAD exomes 0.00002; ExAC 0.00006.
gnomAD v4.1: 14 of 1,614,148 alleles (0.00087%); highest among the groups gnomAD compares: Non-Finnish European, 0.001%; no homozygotes.

Submissions (2):

Labcorp Genetics (formerly Invitae), Labcorp
Classification: Likely benign for Gorlin syndrome. Last evaluated: 2025-10-24. Review status: criteria provided, single submitter. Criteria: Invitae Variant Classification Sherloc (09022015). Collection method: clinical testing. Allele origin: germline.

Ambry Genetics
Classification: Uncertain significance for Hereditary cancer-predisposing syndrome. Last evaluated: 2025-02-08. Review status: criteria provided, single submitter. Criteria: Ambry Variant Classification Scheme 2023. Collection method: clinical testing. Allele origin: germline.
Comment: The p.Q184R variant (also known as c.551A>G), located in coding exon 3 of the PTCH1 gene, results from an A to G substitution at nucleotide position 551. The glutamine at codon 184 is replaced by arginine, an amino acid with highly similar properties. This amino acid position is conserved. In addition, this alteration is predicted to be tolerated by in silico analysis. Since supporting evidence is limited at this time, the clinical significance of this alteration remains unclear.

NM_000264.5(PTCH1):c.551A>G (p.Gln184Arg)

Gene: PTCH1 (patched 1; minus strand). Cytogenetic location: 9q22.32.
Variant type: single nucleotide variant.
Coding change: c.551A>G on transcript NM_000264.5 (MANE Select); coding-DNA position 551, A replaced by G.
Protein change: p.Gln184Arg; replaces glutamine 184 with arginine.
Molecular consequence: missense variant. On other transcripts: non-coding transcript variant (1).
Genome position (GRCh38, 1-based): chr9:95,485,718, T>C on the plus strand (A>G on the coding strand, the complement: PTCH1 is on the minus strand). VCF-style: chr9-95485718-T-C. GRCh37 (hg19) VCF-style: chr9-98248000-T-C.
Other names: c.353A>G, p.Gln118Arg (NM_001083602.3, NM_001354919.2); c.548A>G, p.Gln183Arg (NM_001083603.3); c.98A>G, p.Gln33Arg (NM_001083604.3, NM_001083605.3, NM_001083606.3 and 1 more transcripts); c.551A>G, p.Gln184Arg (NM_001354918.2); short protein forms Q118R, Q184R, Q183R, Q33R.
Identifiers: ClinVar variation 1748065 (VCV001748065.8), dbSNP rs755867972, ClinGen allele CA5138925.